The following is an entry in ClinVar:

ClinVar aggregate classification (germline): Uncertain significance (1 of 4 stars; one submission).

Submission:

GeneDx
Classification: Uncertain significance. Last evaluated: 2023-12-30. Review status: criteria provided, single submitter. Criteria: GeneDx Variant Classification Process June 2021. Collection method: clinical testing. Allele origin: germline. Affected: yes.
Comment: Not observed at significant frequency in large population cohorts (gnomAD); Frameshift variant predicted to result in protein truncation or nonsense mediated decay in a gene or region of a gene for which loss of function is not a well-established mechanism of disease; Has not been previously published as pathogenic or benign to our knowledge; Variants in candidate genes are classified as variants of uncertain significance in accordance with ACMG guidelines (PMID: 25741868)

NM_000718.4(CACNA1B):c.2192del (p.Gln731fs)

Gene: CACNA1B (calcium voltage-gated channel subunit alpha1 B; plus strand). Cytogenetic location: 9q34.3.
Variant type: Deletion.
Coding change: c.2192del on transcript NM_000718.4 (MANE Select); coding-DNA position 2192, one base deleted (A; older notation c.2192delA).
Protein change: p.Gln731fs; shifts the reading frame from glutamine 731.
Molecular consequence: frameshift variant.
Genome position (GRCh38, 1-based): chr9:138,013,160, A deleted. VCF-style (leftmost placement, unchanged base first): chr9-138013159-CA-C. GRCh37 (hg19) VCF-style: chr9-140907611-CA-C.
Other names: c.2192del, p.Gln731fs (NM_001243812.2); short protein forms Q731fs.
Identifiers: ClinVar variation 3370248 (VCV003370248.1).